The following is an entry in ClinVar:

ClinVar aggregate classification (germline): Likely pathogenic (1 of 4 stars; one submission).

Conditions:
Inborn genetic diseases. Identifiers: MedGen C0950123, MeSH D030342.

Submission:

Ambry Genetics
Classification: Likely pathogenic for Inborn genetic diseases. Last evaluated: 2025-12-03. Review status: criteria provided, single submitter. Criteria: Ambry Variant Classification Scheme 2023. Collection method: clinical testing. Allele origin: germline.
Comment: The c.1136-1G>A intronic variant consists of a G to A substitution one nucleotide before exon 10 (coding exon 9) of the SMAD2 gene. This alteration occurs at the 3' terminus of the SMAD2 gene, is not expected to trigger nonsense-mediated mRNA decay, and only impacts the last 19%/89AA of the protein. The exact functional effect of this alteration is unknown; however, a significant portion of the protein is affected (Ambry internal data). for autosomal dominant SMAD2-related Loeys-Dietz syndrome; however, its clinical significance for autosomal dominant SMAD2-related congenital heart defect with or without heterotaxy is uncertain. This variant was not reported in population-based cohorts in the Genome Aggregation Database (gnomAD). This nucleotide position is highly conserved in available vertebrate species. In silico splice site analysis predicts that this alteration will weaken the native splice acceptor site and will result in the creation or strengthening of a novel splice acceptor site. Based on the available evidence, this alteration is classified as likely pathogenic.

NM_005901.6(SMAD2):c.1136-1G>A

Gene: SMAD2 (SMAD family member 2; minus strand). Cytogenetic location: 18q21.1.
Variant type: single nucleotide variant.
Coding change: c.1136-1G>A on transcript NM_005901.6 (MANE Select); the canonical splice acceptor site of the intron before coding-DNA position 1136, G replaced by A.
Molecular consequence: splice acceptor variant.
Genome position (GRCh38, 1-based): chr18:47,845,485, C>T on the plus strand (G>A on the coding strand, the complement: SMAD2 is on the minus strand). VCF-style: chr18-47845485-C-T. GRCh37 (hg19) VCF-style: chr18-45371856-C-T.
Other names: c.1046-1G>A (NM_001135937.3); c.1136-1G>A (NM_001003652.4).
Identifiers: ClinVar variation 4631595 (VCV004631595.1).